The following is an entry in ClinVar:

NM_022124.6(CDH23):c.5470C>T (p.Arg1824Cys)

Gene: CDH23 (cadherin related 23; plus strand). Cytogenetic location: 10q22.1.
Variant type: single nucleotide variant.
Coding change: c.5470C>T on transcript NM_022124.6 (MANE Select); coding-DNA position 5470, C replaced by T.
Protein change: p.Arg1824Cys; replaces arginine 1824 with cysteine.
Molecular consequence: missense variant.
Genome position (GRCh38, 1-based): chr10:71,784,388, C>T. VCF-style: chr10-71784388-C-T. GRCh37 (hg19) VCF-style: chr10-73544145-C-T.
Other names: c.5470C>T (NM_022124.5); short protein forms R1824C.
Identifiers: ClinVar variation 287579 (VCV000287579.9), dbSNP rs755817193, ClinGen allele CA5545761.

ClinVar aggregate classification (germline): Uncertain significance. Review status: criteria provided, multiple submitters, no conflicts (2 of 4 stars). 5 submissions from 5 submitters: Uncertain significance (5). Last evaluated 2024-04-06.

Conditions:
Usher syndrome type 1D (USH1D). Also called: USHER SYNDROME, TYPE ID. Identifiers: Orphanet 231169, Orphanet 886, MedGen C1832845, MONDO:0010984, OMIM 601067.
Pituitary adenoma 5, multiple types. Identifiers: MedGen C4539685, MONDO:0054601, OMIM 617540.
Autosomal recessive nonsyndromic hearing loss 12. Also called: DEAFNESS, AUTOSOMAL RECESSIVE 12. Identifiers: Orphanet 90636, MedGen C1832394, MONDO:0011067, OMIM 601386.
Inborn genetic diseases. Identifiers: MedGen C0950123, MeSH D030342.

Allele frequency attached by ClinVar (database versions not stated): ExAC 0.00001; gnomAD exomes 0.00001; TOPMed 0.00012; gnomAD 0.00019.
gnomAD v4.1: 23 of 1,613,738 alleles (0.0014%); highest among the groups gnomAD compares: African/African-American, 0.025%; no homozygotes.

Submissions (5):

Ambry Genetics
Classification: Uncertain significance for Inborn genetic diseases. Last evaluated: 2024-04-06. Review status: criteria provided, single submitter. Criteria: Ambry Variant Classification Scheme 2023. Collection method: clinical testing. Allele origin: germline.

Blueprint Genetics
Classification: Uncertain significance. Last evaluated: 2023-03-08. Review status: criteria provided, single submitter. Criteria: ACMG Guidelines, 2015. Collection method: clinical testing. Allele origin: germline.

Labcorp Genetics (formerly Invitae), Labcorp
Classification: Uncertain significance. Last evaluated: 2022-03-14. Review status: criteria provided, single submitter. Criteria: Invitae Variant Classification Sherloc (09022015). Collection method: clinical testing. Allele origin: germline.
Comment: This sequence change replaces arginine, which is basic and polar, with cysteine, which is neutral and slightly polar, at codon 1824 of the CDH23 protein (p.Arg1824Cys). This variant is present in population databases (rs755817193, gnomAD 0.03%). This variant has not been reported in the literature in individuals affected with CDH23-related conditions. ClinVar contains an entry for this variant (Variation ID: 287579). Algorithms developed to predict the effect of missense changes on protein structure and function are either unavailable or do not agree on the potential impact of this missense change (SIFT: "Deleterious"; PolyPhen-2: "Not Available"; Align-GVGD: "Class C0"). In summary, the available evidence is currently insufficient to determine the role of this variant in disease. Therefore, it has been classified as a Variant of Uncertain Significance.

Fulgent Genetics
Classification: Uncertain significance for Usher syndrome type 1D; Autosomal recessive nonsyndromic hearing loss 12; Pituitary adenoma 5, multiple types. Last evaluated: 2021-08-27. Review status: criteria provided, single submitter. Criteria: ACMG Guidelines, 2015. Collection method: clinical testing. Allele origin: unknown.

Eurofins Ntd Llc (ga)
Classification: Uncertain significance. Last evaluated: 2016-05-20. Review status: criteria provided, single submitter. Criteria: EGL Classification Definitions 2015. Collection method: clinical testing. Allele origin: germline. Observed: 1 variant allele, 1 heterozygote.